The following is an entry in ClinVar:

ClinVar aggregate classification (germline): Pathogenic. Review status: criteria provided, multiple submitters, no conflicts (2 of 4 stars). 2 submissions from 2 submitters: Pathogenic (2). Last evaluated 2024-07-09.

Conditions:
Congenital myotonia, autosomal dominant form (THD). Also called: THOMSEN DISEASE; Myotonia congenita autosomal dominant. Identifiers: Orphanet 614, MedGen C2936781, MONDO:0008055, OMIM 160800.
Congenital myotonia, autosomal recessive form. Also called: BECKER DISEASE; myotonia congenita, autosomal recessive; Becker Generalized Myotonia. Identifiers: Orphanet 614, MedGen C0751360, MONDO:0009715, OMIM 255700.

Submissions (2):

Labcorp Genetics (formerly Invitae), Labcorp
Classification: Pathogenic for Congenital myotonia, autosomal recessive form; Congenital myotonia, autosomal dominant form. Last evaluated: 2024-07-09. Review status: criteria provided, single submitter. Criteria: Invitae Variant Classification Sherloc (09022015). Collection method: clinical testing. Allele origin: germline.
Comment: This sequence change creates a premature translational stop signal (p.Glu422*) in the CLCN1 gene. It is expected to result in an absent or disrupted protein product. Loss-of-function variants in CLCN1 are known to be pathogenic (PMID: 17932099, 22094069, 23739125). This variant is not present in population databases (gnomAD no frequency). This variant has not been reported in the literature in individuals affected with CLCN1-related conditions. For these reasons, this variant has been classified as Pathogenic.

Athena Diagnostics
Classification: Pathogenic. Last evaluated: 2023-08-07. Review status: criteria provided, single submitter. Criteria: Athena Diagnostics Criteria. Collection method: clinical testing. Allele origin: unknown.
Comment: This variant is expected to result in the loss of a functional protein. This variant has been identified in at least one individual with clinical features associated with this gene. This variant has not been reported in large, multi-ethnic general populations.

Literature cited by the submitters: PubMed 17932099 (cited by Labcorp Genetics (formerly Invitae), Labcorp); PubMed 22094069 (cited by Labcorp Genetics (formerly Invitae), Labcorp); PubMed 23739125 (cited by Labcorp Genetics (formerly Invitae), Labcorp).

NM_000083.3(CLCN1):c.1264G>T (p.Glu422Ter)

Gene: CLCN1 (chloride voltage-gated channel 1; plus strand). Cytogenetic location: 7q34.
Variant type: single nucleotide variant.
Coding change: c.1264G>T on transcript NM_000083.3 (MANE Select); coding-DNA position 1264, G replaced by T.
Protein change: p.Glu422Ter; replaces glutamic acid 422 with a stop codon.
Molecular consequence: nonsense.
Genome position (GRCh38, 1-based): chr7:143,332,736, G>T. VCF-style: chr7-143332736-G-T. GRCh37 (hg19) VCF-style: chr7-143029829-G-T.
Other names: short protein forms E422*.
Identifiers: ClinVar variation 2684158 (VCV002684158.3), dbSNP rs889073641, ClinGen allele CA369643749.
Genomic context (GRCh38, chr7:143,332,736, plus strand): 5'-ACAGGAGTTCCCTGGAGAACCCACCCTTTCTGCTTCTTCCTCTCCCAGTTGATGCCCCGC[G>T]AAGCCATCAGTACTTTGTTTGACAACAATACATGGGTGAAACACGCGGGTGATCCTGAGA-3'